The following is an entry in ClinVar:

NM_003611.3(OFD1):c.1278G>A (p.Met426Ile)

Gene: OFD1 (OFD1 centriole and centriolar satellite protein; plus strand). Cytogenetic location: Xp22.2.
Variant type: single nucleotide variant.
Coding change: c.1278G>A on transcript NM_003611.3 (MANE Select); coding-DNA position 1278, G replaced by A.
Protein change: p.Met426Ile; replaces methionine 426 with isoleucine.
Molecular consequence: missense variant.
Genome position (GRCh38, 1-based): chrX:13,756,634, G>A. VCF-style: chrX-13756634-G-A. GRCh37 (hg19) VCF-style: chrX-13774753-G-A.
Other names: c.1158G>A, p.Met386Ile (NM_001330209.2); c.858G>A, p.Met286Ile (NM_001330210.2); short protein forms M426I, M286I, M386I.
Identifiers: ClinVar variation 1520500 (VCV001520500.8), dbSNP rs756825275, ClinGen allele CA10351796.

ClinVar aggregate classification (germline): Uncertain significance (1 of 4 stars; one submission).

Conditions:
Joubert syndrome. Also called: CEREBELLOPARENCHYMAL DISORDER IV; JOUBERT-BOLTSHAUSER SYNDROME; Familial aplasia of the vermis. Identifiers: Orphanet 475, MedGen C5979921, MONDO:0018772.
Orofaciodigital syndrome I (OFD1). Also called: OFDS I; Papillon-Leage and Psaume Syndrome; Oral-Facial-Digital Syndrome Type I. Identifiers: Orphanet 2750, MedGen C1510460, MONDO:0010702, OMIM 311200.

Allele frequency attached by ClinVar (database versions not stated): ExAC 0.00001; gnomAD 0.00001; gnomAD exomes 0.00001.
gnomAD v4.1: 1 of 1,203,574 alleles (0.000083%); highest among the groups gnomAD compares: East Asian, 0.003%; no homozygotes.

Submission:

Labcorp Genetics (formerly Invitae), Labcorp
Classification: Uncertain significance for Orofaciodigital syndrome I; Joubert syndrome. Last evaluated: 2024-12-09. Review status: criteria provided, single submitter. Criteria: Invitae Variant Classification Sherloc (09022015). Collection method: clinical testing. Allele origin: germline.
Comment: This sequence change replaces methionine, which is neutral and non-polar, with isoleucine, which is neutral and non-polar, at codon 426 of the OFD1 protein (p.Met426Ile). This variant is present in population databases (rs756825275, gnomAD 0.008%). This variant has not been reported in the literature in individuals affected with OFD1-related conditions. ClinVar contains an entry for this variant (Variation ID: 1520500). Invitae Evidence Modeling of protein sequence and biophysical properties (such as structural, functional, and spatial information, amino acid conservation, physicochemical variation, residue mobility, and thermodynamic stability) indicates that this missense variant is not expected to disrupt OFD1 protein function with a negative predictive value of 80%. In summary, the available evidence is currently insufficient to determine the role of this variant in disease. Therefore, it has been classified as a Variant of Uncertain Significance.